The following is an entry in ClinVar:

ClinVar aggregate classification (germline): Uncertain significance (1 of 4 stars; one submission).

Submission:

CeGaT Center for Human Genetics Tuebingen
Classification: Uncertain significance. Last evaluated: 2023-03-01. Review status: criteria provided, single submitter. Criteria: CeGaT Center For Human Genetics Tuebingen Variant Classification Criteria Version 2. Collection method: clinical testing. Allele origin: germline. Affected: yes. Observed: 1 variant allele.
Comment: TTBK2: PM2, PVS1:Moderate

NM_173500.4(TTBK2):c.3312_3319dup (p.Leu1107fs)

Gene: TTBK2 (tau tubulin kinase 2; minus strand). Cytogenetic location: 15q15.2.
Variant type: Duplication.
Coding change: c.3312_3319dup on transcript NM_173500.4 (MANE Select); coding-DNA positions 3312 to 3319, 8 bases duplicated (CTCAGACC; older notation c.3312_3319dupCTCAGACC).
Protein change: p.Leu1107fs; shifts the reading frame from leucine 1107.
Molecular consequence: frameshift variant.
Genome position (GRCh38, 1-based): chr15:42,746,211-42,746,218, GGTCTGAG duplicated on the plus strand (CTCAGACC on the coding strand, the reverse complement: TTBK2 is on the minus strand). VCF-style (leftmost placement, unchanged base first): chr15-42746210-A-AGGTCTGAG. GRCh37 (hg19) VCF-style: chr15-43038408-A-AGGTCTGAG.
Other names: short protein forms L1107fs.
Identifiers: ClinVar variation 2645257 (VCV002645257.24), dbSNP rs2506166561, ClinGen allele CA2695197270.
Genomic context (GRCh38, chr15:42,746,210, plus strand): 5'-TGAGTAGTGCTCCGGGGTTTCTGAGATCCATTTTGAAGAATTTGGGCCAGGCGGGAGAAA[A>AGGTCTGAG]GGTCTGAGTCGGAGTTACTACTCCCTAGGACTTTATATCTGCGTAGCCTTAAAAGAACAG-3'